The following is an entry in ClinVar:

ClinVar aggregate classification (germline): Uncertain significance (1 of 4 stars; one submission).

Conditions:
Periodic fever-infantile enterocolitis-autoinflammatory syndrome. Also called: Autoinflammation with infantile enterocolitis. Identifiers: Orphanet 436166, MedGen C4015067, MONDO:0014472, OMIM 616050.
Familial cold autoinflammatory syndrome 4 (FCAS4). Identifiers: Orphanet 47045, Orphanet 576349, MedGen C4015276, MONDO:0014498, OMIM 616115.

Submission:

Labcorp Genetics (formerly Invitae), Labcorp
Classification: Uncertain significance for Periodic fever-infantile enterocolitis-autoinflammatory syndrome; Familial cold autoinflammatory syndrome 4. Last evaluated: 2023-05-07. Review status: criteria provided, single submitter. Criteria: Invitae Variant Classification Sherloc (09022015). Collection method: clinical testing. Allele origin: germline.
Comment: In summary, the available evidence is currently insufficient to determine the role of this variant in disease. Therefore, it has been classified as a Variant of Uncertain Significance. Experimental studies and prediction algorithms are not available or were not evaluated, and the functional significance of this variant is currently unknown. ClinVar contains an entry for this variant (Variation ID: 2035445). This variant has not been reported in the literature in individuals affected with NLRC4-related conditions. This variant is not present in population databases (gnomAD no frequency). This sequence change creates a premature translational stop signal (p.Arg454*) in the NLRC4 gene. It is expected to result in an absent or disrupted protein product. However, the current clinical and genetic evidence is not sufficient to establish whether loss-of-function variants in NLRC4 cause disease.

NM_001199138.2(NLRC4):c.1360A>T (p.Arg454Ter)

Gene: NLRC4 (NLR family CARD domain containing 4; minus strand). Cytogenetic location: 2p22.3.
Variant type: single nucleotide variant.
Coding change: c.1360A>T on transcript NM_001199138.2 (MANE Select); coding-DNA position 1360, A replaced by T.
Protein change: p.Arg454Ter; replaces arginine 454 with a stop codon.
Molecular consequence: nonsense. On other transcripts: intron variant (1).
Genome position (GRCh38, 1-based): chr2:32,250,504, T>A on the plus strand (A>T on the coding strand, the complement: NLRC4 is on the minus strand). VCF-style: chr2-32250504-T-A. GRCh37 (hg19) VCF-style: chr2-32475573-T-A.
Other names: c.1360A>T, p.Arg454Ter (NM_021209.5, NM_001199139.2); c.262+1915A>T (NM_001302504.1); short protein forms R454*.
Identifiers: ClinVar variation 2035445 (VCV002035445.4), dbSNP rs2466760078, ClinGen allele CA346512633.
Genomic context (GRCh38, chr2:32,250,504, plus strand): 5'-AGTAACCATTCCCCTTGGTCACCTCCTCTGGCTCATGAGACGTCAATAAACTGCTGAGTC[T>A]TCGTCCTGCTGTGTACTCCTGGAATGACTTGTGAAAGAATTTATACTTTGGCTTGAACCT-3'